The following is an entry in ClinVar:

NM_001127464.1:c.4383G>C

Gene: ZNF469 (zinc finger protein 469; plus strand).
Variant type: single nucleotide variant.
Identifiers: ClinVar variation 4842233 (VCV004842233.1).

ClinVar aggregate classification (germline): Uncertain significance (1 of 4 stars; one submission).

Conditions:
Cardiovascular phenotype. Identifiers: MedGen CN230736.

Submission:

Ambry Genetics
Classification: Uncertain significance for Cardiovascular phenotype. Last evaluated: 2025-12-16. Review status: criteria provided, single submitter. Criteria: Ambry Variant Classification Scheme 2023. Collection method: clinical testing. Allele origin: germline.
Comment: The p.Q1461H variant (also known as c.4383G>C), located in coding exon 2 of the ZNF469 gene, results from a G to C substitution at nucleotide position 4383. The glutamine at codon 1461 is replaced by histidine, an amino acid with highly similar properties. This amino acid position is conserved. In addition, this alteration is predicted to be tolerated by in silico analysis. Based on the available evidence, the clinical significance of this variant remains unclear.